The following is an entry in ClinVar:

NM_003482.4(KMT2D):c.14643+12G>A

Gene: KMT2D (lysine methyltransferase 2D; minus strand). Cytogenetic location: 12q13.12.
Variant type: single nucleotide variant.
Coding change: c.14643+12G>A on transcript NM_003482.4 (MANE Select); 12 bases into the intron after coding-DNA position 14643, G replaced by A.
Molecular consequence: intron variant.
Genome position (GRCh38, 1-based): chr12:49,027,791, C>T on the plus strand (G>A on the coding strand, the complement: KMT2D is on the minus strand). VCF-style: chr12-49027791-C-T. GRCh37 (hg19) VCF-style: chr12-49421574-C-T.
Identifiers: ClinVar variation 289695 (VCV000289695.24), dbSNP rs186670730, ClinGen allele CA6545697.

ClinVar aggregate classification (germline): Conflicting classifications of pathogenicity. Review status: criteria provided, conflicting classifications (1 of 4 stars). 6 submissions from 6 submitters: Uncertain significance (1); Benign (3); Likely benign (1). 1 of the submissions does not count toward it. Last evaluated 2026-01-27.

Conditions:
KMT2D-related disorder. Also called: KMT2D-Related Disorders.
Kabuki syndrome. Also called: NIIKAWA-KUROKI SYNDROME; Kabuki make-up syndrome. Identifiers: Orphanet 2322, MedGen C0796004, MONDO:0016512.
Kabuki syndrome 1 (KABUK1). Also called: KMT2D-Related Kabuki Syndrome. Identifiers: Orphanet 2322, MedGen CN030661, MONDO:0007843, OMIM 147920.

Allele frequency attached by ClinVar (database versions not stated): gnomAD 0.00042 and 0.00040; TOPMed 0.00044; ExAC 0.00048; gnomAD exomes 0.00096 and 0.00038; 1000 Genomes Project 30x 0.00016; 1000 Genomes Project 0.00020; ESP Exome Variant Server 0.00042.
gnomAD v4.1: 1,395 of 1,555,530 alleles (0.09%); highest among the groups gnomAD compares: Non-Finnish European, 0.11%; 3 homozygotes.

Submissions (6):

Labcorp Genetics (formerly Invitae), Labcorp
Classification: Benign for Kabuki syndrome. Last evaluated: 2026-01-27. Review status: criteria provided, single submitter. Criteria: Invitae Variant Classification Sherloc (09022015). Collection method: clinical testing. Allele origin: germline.

Blueprint Genetics
Classification: Likely benign. Last evaluated: 2024-11-19. Review status: criteria provided, single submitter. Criteria: ACMG Guidelines, 2015. Collection method: clinical testing. Allele origin: germline.

Centre for Mendelian Genomics, University Medical Centre Ljubljana
Classification: Benign for Kabuki syndrome 1. Last evaluated: 2019-02-20. Review status: criteria provided, single submitter. Criteria: ACMG Guidelines, 2015. Collection method: clinical testing. Allele origin: unknown. Affected: yes.
Comment: This variant was classified as: Benign. The following ACMG criteria were applied in classifying this variant: BP6,BS1.

Eurofins Ntd Llc (ga)
Classification: Uncertain significance. Last evaluated: 2016-08-03. Review status: criteria provided, single submitter. Criteria: EGL Classification Definitions 2015. Collection method: clinical testing. Allele origin: germline. Observed: 1 variant allele, 1 heterozygote.

GeneDx
Classification: Benign. Last evaluated: 2015-03-03. Review status: criteria provided, single submitter. Criteria: GeneDx Variant Classification Process June 2021. Collection method: clinical testing. Allele origin: germline. Affected: yes.

PreventionGenetics, part of Exact Sciences
Classification: Likely benign for KMT2D-related condition. Last evaluated: 2021-06-14. Review status: no assertion criteria provided. Collection method: clinical testing. Allele origin: germline. Not counted in ClinVar's aggregate classification.
Comment: This variant is classified as likely benign based on ACMG/AMP sequence variant interpretation guidelines (Richards et al. 2015 PMID: 25741868, with internal and published modifications).